The following is an entry in ClinVar:

ClinVar aggregate classification (germline): Likely pathogenic. Review status: criteria provided, multiple submitters, no conflicts (2 of 4 stars). 2 submissions from 2 submitters: Likely pathogenic (2). Last evaluated 2024-09-11.

Conditions:
Glycogen storage disease, type V (GSD5). Also called: MCARDLE DISEASE; MUSCLE GLYCOGEN PHOSPHORYLASE DEFICIENCY; MYOPHOSPHORYLASE DEFICIENCY; PYGM DEFICIENCY; McArdle type glycogen storage disease. Identifiers: Orphanet 368, MedGen C0017924, MONDO:0009293, OMIM 232600.

Submissions (2):

Natera, Inc.
Classification: Likely pathogenic for Glycogen storage disease V. Last evaluated: 2024-09-11. Review status: criteria provided, single submitter. Criteria: Natera Variant Classification Schema (03/2026). Collection method: clinical testing. Allele origin: germline.
Comment: The c.2177_2177+3del variant in PYGM is a frameshift variant predicted to shift the reading frame and introduce a stop codon. This variant is expected to result in nonsense mediated decay, truncation, or a dysfunctional protein product. This variant is rare in the general population with a frequency below the threshold expected for the associated phenotype(s). Given the available evidence, this variant is classified as Likely Pathogenic.

Labcorp Genetics (formerly Invitae), Labcorp
Classification: Likely pathogenic for Glycogen storage disease, type V. Last evaluated: 2024-04-02. Review status: criteria provided, single submitter. Criteria: Invitae Variant Classification Sherloc (09022015). Collection method: clinical testing. Allele origin: germline.
Comment: This variant results in the deletion of part of exon 17 (c.2177_2177+3del) of the PYGM gene. It is expected to disrupt RNA splicing. Variants that disrupt the donor or acceptor splice site typically lead to a loss of protein function (PMID: 16199547), and loss-of-function variants in PYGM are known to be pathogenic (PMID: 8316268, 16786513). This variant is not present in population databases (gnomAD no frequency). This variant has not been reported in the literature in individuals affected with PYGM-related conditions. Algorithms developed to predict the effect of sequence changes on RNA splicing suggest that this variant may disrupt the consensus splice site. In summary, the currently available evidence indicates that the variant is pathogenic, but additional data are needed to prove that conclusively. Therefore, this variant has been classified as Likely Pathogenic.

Literature cited by the submitters: PubMed 16199547 (cited by Labcorp Genetics (formerly Invitae), Labcorp); PubMed 8316268 (cited by Labcorp Genetics (formerly Invitae), Labcorp); PubMed 16786513 (cited by Labcorp Genetics (formerly Invitae), Labcorp).

NM_005609.4(PYGM):c.2177_2177+3del

Gene: PYGM (glycogen phosphorylase, muscle associated; minus strand). Cytogenetic location: 11q13.1.
Variant type: Deletion.
Coding change: c.2177_2177+3del on transcript NM_005609.4 (MANE Select); coding-DNA position 2177 through 3 bases into the intron after coding-DNA position 2177, 4 bases deleted (GGTA; older notation c.2177_2177+3delGGTA).
Molecular consequence: splice donor variant.
Genome position (GRCh38, 1-based): chr11:64,750,373-64,750,376, TACC deleted on the plus strand (GGTA on the coding strand, the reverse complement: PYGM is on the minus strand). VCF-style (leftmost placement, unchanged base first): chr11-64750372-ATACC-A. GRCh37 (hg19) VCF-style: chr11-64517844-ATACC-A.
Other names: c.2177_2177+3del (NM_005609.3); c.1913_1913+3del (NM_001164716.1).
Identifiers: ClinVar variation 3695229 (VCV003695229.3).